The following is an entry in ClinVar:

ClinVar aggregate classification (germline): Uncertain significance. Review status: criteria provided, multiple submitters, no conflicts (2 of 4 stars). 2 submissions from 2 submitters: Uncertain significance (2). Last evaluated 2026-06-02.

Conditions:
EGFR-related lung cancer (EGFR). Identifiers: MedGen CN130014.
Hereditary cancer-predisposing syndrome. Also called: Tumor predisposition; Hereditary neoplastic syndrome; Neoplastic Syndromes, Hereditary; Hereditary Cancer Syndrome. Identifiers: Orphanet 140162, MedGen C0027672, MeSH D009386, MONDO:0015356.

Submissions (2):

Ambry Genetics
Classification: Uncertain significance for Hereditary cancer-predisposing syndrome. Last evaluated: 2026-06-02. Review status: criteria provided, single submitter. Criteria: Ambry Variant Classification Scheme 2023. Collection method: clinical testing. Allele origin: germline.
Comment: The p.I715N variant (also known as c.2144T>A), located in coding exon 18 of the EGFR gene, results from a T to A substitution at nucleotide position 2144. The isoleucine at codon 715 is replaced by asparagine, an amino acid with dissimilar properties. This amino acid position is not well conserved in available vertebrate species. In addition, this alteration is predicted to be tolerated by in silico analysis. Based on the available evidence, the clinical significance of this variant remains unclear.

Labcorp Genetics (formerly Invitae), Labcorp
Classification: Uncertain significance for EGFR-related lung cancer. Last evaluated: 2023-10-14. Review status: criteria provided, single submitter. Criteria: Invitae Variant Classification Sherloc (09022015). Collection method: clinical testing. Allele origin: germline.
Comment: This sequence change replaces isoleucine, which is neutral and non-polar, with asparagine, which is neutral and polar, at codon 715 of the EGFR protein (p.Ile715Asn). This variant is not present in population databases (gnomAD no frequency). This variant has not been reported in the literature in individuals affected with EGFR-related conditions. Advanced modeling of protein sequence and biophysical properties (such as structural, functional, and spatial information, amino acid conservation, physicochemical variation, residue mobility, and thermodynamic stability) performed at Invitae indicates that this missense variant is not expected to disrupt EGFR protein function. In summary, the available evidence is currently insufficient to determine the role of this variant in disease. Therefore, it has been classified as a Variant of Uncertain Significance.

NM_005228.5(EGFR):c.2144T>A (p.Ile715Asn)

Gene: EGFR (epidermal growth factor receptor; plus strand). Cytogenetic location: 7p11.2.
Variant type: single nucleotide variant.
Coding change: c.2144T>A on transcript NM_005228.5 (MANE Select); coding-DNA position 2144, T replaced by A.
Protein change: p.Ile715Asn; replaces isoleucine 715 with asparagine.
Molecular consequence: missense variant.
Genome position (GRCh38, 1-based): chr7:55,174,003, T>A. VCF-style: chr7-55174003-T-A. GRCh37 (hg19) VCF-style: chr7-55241696-T-A.
Other names: c.2009T>A, p.Ile670Asn (NM_001346897.2, NM_001346899.2); c.2144T>A, p.Ile715Asn (NM_001346898.2); c.1985T>A, p.Ile662Asn (NM_001346900.2); c.1343T>A, p.Ile448Asn (NM_001346941.2); short protein forms I715N, I448N, I662N, I670N.
Identifiers: ClinVar variation 2768180 (VCV002768180.4), dbSNP rs2128953695, ClinGen allele CA367583703.